The following is an entry in ClinVar:

NM_002184.4(IL6ST):c.1056+3A>G

Gene: IL6ST (interleukin 6 cytokine family signal transducer; minus strand). Cytogenetic location: 5q11.2.
Variant type: single nucleotide variant.
Coding change: c.1056+3A>G on transcript NM_002184.4 (MANE Select); 3 bases into the intron after coding-DNA position 1056, A replaced by G.
Molecular consequence: intron variant.
Genome position (GRCh38, 1-based): chr5:55,957,206, T>C on the plus strand (A>G on the coding strand, the complement: IL6ST is on the minus strand). VCF-style: chr5-55957206-T-C. GRCh37 (hg19) VCF-style: chr5-55253034-T-C.
Other names: c.846+3A>G (NM_001364276.2); c.61-971A>G (NM_001364279.2); c.153+3A>G (NM_001364278.2); c.189+3A>G (NM_001364277.2); c.974-971A>G (NM_175767.3); c.1056+3A>G (NM_001190981.2, NM_001364275.2).
Identifiers: ClinVar variation 3614327 (VCV003614327.2).
Genomic context (GRCh38, chr5:55,957,206, plus strand): 5'-GACTCGGTTTCAAAAAAAAAAAAAAAGATTTATAAGAGATAAAATATAAATGTGATTTTT[T>C]ACCTTCCACACGAGTTGTACAGTTCTGTAGCCTTGAGTATGGGATGGATCTATTTTATAC-3'

ClinVar aggregate classification (germline): Uncertain significance (1 of 4 stars; one submission).

gnomAD v4.1: 13 of 1,431,296 alleles (0.00091%); highest among the groups gnomAD compares: Non-Finnish European, 0.0012%; no homozygotes.

Submission:

Labcorp Genetics (formerly Invitae), Labcorp
Classification: Uncertain significance. Last evaluated: 2025-05-18. Review status: criteria provided, single submitter. Criteria: Invitae Variant Classification Sherloc (09022015). Collection method: clinical testing. Allele origin: germline.
Comment: This sequence change falls in intron 9 of the IL6ST gene. It does not directly change the encoded amino acid sequence of the IL6ST protein. It affects a nucleotide within the consensus splice site. This variant is present in population databases (rs755415933, gnomAD 0.001%). This variant has not been reported in the literature in individuals affected with IL6ST-related conditions. ClinVar contains an entry for this variant (Variation ID: 3614327). Variants that disrupt the consensus splice site are a relatively common cause of aberrant splicing (PMID: 17576681, 9536098). Algorithms developed to predict the effect of sequence changes on RNA splicing suggest that this variant may disrupt the consensus splice site. In summary, the available evidence is currently insufficient to determine the role of this variant in disease. Therefore, it has been classified as a Variant of Uncertain Significance.

Literature cited by the submitters: PubMed 17576681; PubMed 9536098.